The following is an entry in ClinVar:

NM_005529.7(HSPG2):c.2468G>A (p.Arg823His)

Gene: HSPG2 (heparan sulfate proteoglycan 2; minus strand). Cytogenetic location: 1p36.12.
Variant type: single nucleotide variant.
Coding change: c.2468G>A on transcript NM_005529.7 (MANE Select); coding-DNA position 2468, G replaced by A.
Protein change: p.Arg823His; replaces arginine 823 with histidine.
Molecular consequence: missense variant.
Genome position (GRCh38, 1-based): chr1:21,878,997, C>T on the plus strand (G>A on the coding strand, the complement: HSPG2 is on the minus strand). VCF-style: chr1-21878997-C-T. GRCh37 (hg19) VCF-style: chr1-22205490-C-T.
Other names: c.2468G>A (NM_005529.5); c.2471G>A, p.Arg824His (NM_001291860.2); short protein forms R824H, R823H.
Identifiers: ClinVar variation 1957164 (VCV001957164.8), dbSNP rs137871979, ClinGen allele CA673062.

ClinVar aggregate classification (germline): Uncertain significance. Review status: criteria provided, multiple submitters, no conflicts (2 of 4 stars). 3 submissions from 3 submitters: Uncertain significance (3). Last evaluated 2024-01-08.

Allele frequency attached by ClinVar (database versions not stated): gnomAD exomes 0.00004; ExAC 0.00005; ESP Exome Variant Server 0.00008; 1000 Genomes Project 0.00040; 1000 Genomes Project 30x 0.00047.
gnomAD v4.1: 56 of 1,613,604 alleles (0.0035%); highest among the groups gnomAD compares: South Asian, 0.037%; no homozygotes.

Submissions (3):

Labcorp Genetics (formerly Invitae), Labcorp
Classification: Uncertain significance. Last evaluated: 2024-01-08. Review status: criteria provided, single submitter. Criteria: Invitae Variant Classification Sherloc (09022015). Collection method: clinical testing. Allele origin: germline.
Comment: This sequence change replaces arginine, which is basic and polar, with histidine, which is basic and polar, at codon 823 of the HSPG2 protein (p.Arg823His). This variant is present in population databases (rs137871979, gnomAD 0.04%). This variant has not been reported in the literature in individuals affected with HSPG2-related conditions. ClinVar contains an entry for this variant (Variation ID: 1957164). An algorithm developed to predict the effect of missense changes on protein structure and function (PolyPhen-2) suggests that this variant is likely to be disruptive. In summary, the available evidence is currently insufficient to determine the role of this variant in disease. Therefore, it has been classified as a Variant of Uncertain Significance.

Revvity Omics, Revvity
Classification: Uncertain significance. Last evaluated: 2023-10-31. Review status: criteria provided, single submitter. Criteria: ACMG Guidelines, 2015. Collection method: clinical testing. Allele origin: germline.

GeneDx
Classification: Uncertain significance. Last evaluated: 2023-02-22. Review status: criteria provided, single submitter. Criteria: GeneDx Variant Classification Process June 2021. Collection method: clinical testing. Allele origin: germline. Affected: yes.
Comment: Has not been previously published as pathogenic or benign to our knowledge; In silico analysis supports that this missense variant does not alter protein structure/function; This variant is associated with the following publications: (PMID: 27535533)